The following is an entry in ClinVar:

ClinVar aggregate classification (germline): Uncertain significance (1 of 4 stars; one submission).

gnomAD v4.1: 2 of 1,614,180 alleles (0.00012%); highest among the groups gnomAD compares: Admixed American, 0.0033%; no homozygotes.

Submission:

Labcorp Genetics (formerly Invitae), Labcorp
Classification: Uncertain significance. Last evaluated: 2025-10-14. Review status: criteria provided, single submitter. Criteria: Invitae Variant Classification Sherloc (09022015). Collection method: clinical testing. Allele origin: germline.
Comment: This sequence change replaces proline, which is neutral and non-polar, with arginine, which is basic and polar, at codon 138 of the ZNF687 protein (p.Pro138Arg). The frequency data for this variant in the population databases is considered unreliable, as metrics indicate poor data quality at this position in the gnomAD database. This variant has not been reported in the literature in individuals affected with ZNF687-related conditions. An algorithm developed to predict the effect of missense changes on protein structure and function (PolyPhen-2) suggests that this variant is likely to be disruptive. In summary, the available evidence is currently insufficient to determine the role of this variant in disease. Therefore, it has been classified as a Variant of Uncertain Significance.

NM_020832.3(ZNF687):c.413C>G (p.Pro138Arg)

Gene: ZNF687 (zinc finger protein 687; plus strand). Cytogenetic location: 1q21.3.
Variant type: single nucleotide variant.
Coding change: c.413C>G on transcript NM_020832.3 (MANE Select); coding-DNA position 413, C replaced by G.
Protein change: p.Pro138Arg; replaces proline 138 with arginine.
Molecular consequence: missense variant.
Genome position (GRCh38, 1-based): chr1:151,286,704, C>G. VCF-style: chr1-151286704-C-G. GRCh37 (hg19) VCF-style: chr1-151259180-C-G.
Other names: c.413C>G, p.Pro138Arg (NM_001304763.2, NM_001304764.2); short protein forms P138R.
Identifiers: ClinVar variation 4695473 (VCV004695473.1).